The following is an entry in ClinVar:

ClinVar aggregate classification (germline): Benign. Review status: criteria provided, multiple submitters, no conflicts (2 of 4 stars). 11 submissions from 10 submitters: Benign (9). 2 of the submissions do not count toward it. Last evaluated 2026-05-09.

Conditions:
Fibrochondrogenesis 2 (FBCG2). Identifiers: Orphanet 2021, MedGen C3281128, MONDO:0013795, OMIM 614524.
Otospondylomegaepiphyseal dysplasia, autosomal recessive (OSMEDB). Also called: CHONDRODYSTROPHY WITH SENSORINEURAL DEAFNESS; Insley-Astley syndrome. Identifiers: Orphanet 1427, MedGen CN034493, MONDO:0044206, OMIM 215150.

Allele frequency attached by ClinVar (database versions not stated): TOPMed 0.08716; ESP Exome Variant Server 0.09580; gnomAD 0.09775 and 0.10168; 1000 Genomes Project 30x 0.09838; 1000 Genomes Project 0.10264; gnomAD exomes 0.12150 and 0.13429; ExAC 0.12206.
gnomAD v4.1: 211,053 of 1,613,992 alleles (13%); highest among the groups gnomAD compares: South Asian, 18%; 14,959 homozygotes.

Submissions (11):

Women's Health and Genetics/Laboratory Corporation of America, LabCorp
Classification: Benign. Last evaluated: 2026-05-09. Review status: criteria provided, single submitter. Criteria: LabCorp Variant Classification Summary - May 2015. Collection method: clinical testing. Allele origin: germline.

Labcorp Genetics (formerly Invitae), Labcorp
Classification: Benign. Last evaluated: 2026-02-04. Review status: criteria provided, single submitter. Criteria: Invitae Variant Classification Sherloc (09022015). Collection method: clinical testing. Allele origin: germline.

Blueprint Genetics
Classification: Benign. Last evaluated: 2024-11-26. Review status: criteria provided, single submitter. Criteria: ACMG Guidelines, 2015. Collection method: clinical testing. Allele origin: germline.

Mayo Clinic Laboratories, Mayo Clinic
Classification: Benign. Last evaluated: 2020-01-27. Review status: criteria provided, single submitter. Criteria: ACMG Guidelines, 2015. Collection method: clinical testing. Allele origin: germline. Observed: 40 variant alleles.

Illumina Laboratory Services, Illumina
Classification: Benign for Fibrochondrogenesis 2. Last evaluated: 2018-01-13. Review status: criteria provided, single submitter. Criteria: ICSL Variant Classification Criteria 13 December 2019. Collection method: clinical testing. Allele origin: germline.
Comment: This variant was observed in the ICSL laboratory as part of a predisposition screen in an ostensibly healthy population. It had not been previously curated by ICSL or reported in the Human Gene Mutation Database (HGMD: prior to June 1st, 2018), and was therefore a candidate for classification through an automated scoring system. Utilizing variant allele frequency, disease prevalence and penetrance estimates, and inheritance mode, an automated score was calculated to assess if this variant is too frequent to cause the disease. Based on the score and internal cut-off values, a variant classified as benign is not then subjected to further curation. The score for this variant resulted in a classification of benign for this disease.

Illumina Laboratory Services, Illumina
Classification: Benign for Otospondylomegaepiphyseal dysplasia, autosomal recessive. Last evaluated: 2018-01-13. Review status: criteria provided, single submitter. Criteria: ICSL Variant Classification Criteria 13 December 2019. Collection method: clinical testing. Allele origin: germline.
Comment: the same text as in the submission from Illumina Laboratory Services, Illumina above.

GeneDx
Classification: Benign. Last evaluated: 2016-10-03. Review status: criteria provided, single submitter. Criteria: GeneDx Variant Classification (06012015). Collection method: clinical testing. Allele origin: germline. Affected: yes.
Comment: This variant is considered likely benign or benign based on one or more of the following criteria: it is a conservative change, it occurs at a poorly conserved position in the protein, it is predicted to be benign by multiple in silico algorithms, and/or has population frequency not consistent with disease.

Laboratory for Molecular Medicine, Mass General Brigham Personalized Medicine
Classification: Benign. Last evaluated: 2012-05-07. Review status: criteria provided, single submitter. Criteria: LMM Criteria. Collection method: clinical testing. Allele origin: germline. Observed: 303 variant alleles.
Comment: 1179+10G>A in Intron 09 of COL11A2: This variant is not expected to have clinica l significance because it is not located within the conserved splice consensus s equence and has been identified in 13.0% (914/7020) of European American chromos omes from a broad population by the NHLBI Exome Sequencing Project (s.; dbSNP rs2744507).

PreventionGenetics, part of Exact Sciences
Classification: Benign. Review status: criteria provided, single submitter. Criteria: ACMG Guidelines, 2015. Collection method: clinical testing. Allele origin: germline.

Genome Diagnostics Laboratory, Amsterdam University Medical Center
Classification: Benign. Review status: no assertion criteria provided. Collection method: clinical testing. Allele origin: germline. Affected: yes. Study: VKGL Data-share Consensus. Not counted in ClinVar's aggregate classification.

Joint Genome Diagnostic Labs from Nijmegen and Maastricht, Radboudumc and MUMC+
Classification: Benign. Review status: no assertion criteria provided. Collection method: clinical testing. Allele origin: germline. Affected: yes. Study: VKGL Data-share Consensus. Not counted in ClinVar's aggregate classification.

NM_080680.3(COL11A2):c.1179+10G>A

Gene: COL11A2 (collagen type XI alpha 2 chain; minus strand). Cytogenetic location: 6p21.32.
Variant type: single nucleotide variant.
Coding change: c.1179+10G>A on transcript NM_080680.3 (MANE Select); 10 bases into the intron after coding-DNA position 1179, G replaced by A.
Molecular consequence: intron variant.
Genome position (GRCh38, 1-based): chr6:33,181,101, C>T on the plus strand (G>A on the coding strand, the complement: COL11A2 is on the minus strand). VCF-style: chr6-33181101-C-T. GRCh37 (hg19) VCF-style: chr6-33148878-C-T.
Other names: p.?; c.858+10G>A (NM_080679.3); c.921+10G>A (NM_080681.3).
Identifiers: ClinVar variation 46554 (VCV000046554.24), dbSNP rs2744507, ClinGen allele CA138612.